The following is an entry in ClinVar:

ClinVar aggregate classification (germline): Uncertain significance (1 of 4 stars; one submission).

Submission:

Ambry Genetics
Classification: Uncertain significance. Last evaluated: 2025-07-09. Review status: criteria provided, single submitter. Criteria: Ambry Variant Classification Scheme 2023. Collection method: clinical testing. Allele origin: germline.
Comment: The p.S1326I variant (also known as c.3977G>T), located in coding exon 8 of the MLH3 gene, results from a G to T substitution at nucleotide position 3977. The serine at codon 1326 is replaced by isoleucine, an amino acid with dissimilar properties. This amino acid position is conserved. In addition, the in silico prediction for this alteration is inconclusive. Based on the available evidence, the clinical significance of this variant remains unclear.

NM_001040108.2(MLH3):c.3977G>T (p.Ser1326Ile)

Gene: MLH3 (mutL homolog 3; minus strand). Cytogenetic location: 14q24.3.
Variant type: single nucleotide variant.
Coding change: c.3977G>T on transcript NM_001040108.2 (MANE Select); coding-DNA position 3977, G replaced by T.
Protein change: p.Ser1326Ile; replaces serine 1326 with isoleucine.
Molecular consequence: missense variant.
Genome position (GRCh38, 1-based): chr14:75,030,553, C>A on the plus strand (G>T on the coding strand, the complement: MLH3 is on the minus strand). VCF-style: chr14-75030553-C-A. GRCh37 (hg19) VCF-style: chr14-75497256-C-A.
Other names: c.3905G>T, p.Ser1302Ile (NM_014381.3); short protein forms S1302I, S1326I.
Identifiers: ClinVar variation 4108633 (VCV004108633.1).